The following is an entry in ClinVar:

NM_000481.4(AMT):c.373G>A (p.Gly125Ser)

Gene: AMT (aminomethyltransferase; minus strand). Cytogenetic location: 3p21.31.
Variant type: single nucleotide variant.
Coding change: c.373G>A on transcript NM_000481.4 (MANE Select); coding-DNA position 373, G replaced by A.
Protein change: p.Gly125Ser; replaces glycine 125 with serine.
Molecular consequence: missense variant. On other transcripts: non-coding transcript variant (1), intron variant (1).
Genome position (GRCh38, 1-based): chr3:49,420,309, C>T on the plus strand (G>A on the coding strand, the complement: AMT is on the minus strand). VCF-style: chr3-49420309-C-T. GRCh37 (hg19) VCF-style: chr3-49457742-C-T.
Other names: c.205G>A, p.Gly69Ser (NM_001164711.2); c.373G>A, p.Gly125Ser (NM_001164712.2); c.340-521G>A (NM_001164710.2); short protein forms G69S, G125S.
Identifiers: ClinVar variation 4707159 (VCV004707159.1).

ClinVar aggregate classification (germline): Uncertain significance (1 of 4 stars; one submission).

Conditions:
Glycine encephalopathy. Also called: Nonketotic hyperglycinemia; Non-ketotic hyperglycinemia. Identifiers: Orphanet 407, MedGen C0751748, MONDO:0011612, HP:0008288.

Submission:

Labcorp Genetics (formerly Invitae), Labcorp
Classification: Uncertain significance for Glycine encephalopathy. Last evaluated: 2025-09-30. Review status: criteria provided, single submitter. Criteria: Invitae Variant Classification Sherloc (09022015). Collection method: clinical testing. Allele origin: germline.
Comment: This sequence change replaces glycine, which is neutral and non-polar, with serine, which is neutral and polar, at codon 125 of the AMT protein (p.Gly125Ser). This variant is not present in population databases (gnomAD no frequency). This variant has not been reported in the literature in individuals affected with AMT-related conditions. Invitae Evidence Modeling of protein sequence and biophysical properties (such as structural, functional, and spatial information, amino acid conservation, physicochemical variation, residue mobility, and thermodynamic stability) indicates that this missense variant is expected to disrupt AMT protein function with a positive predictive value of 95%. In summary, the available evidence is currently insufficient to determine the role of this variant in disease. Therefore, it has been classified as a Variant of Uncertain Significance.